The following is an entry in ClinVar:

NM_000038.6(APC):c.7032A>G (p.Gln2344=)

Gene: APC (APC regulator of Wnt signaling pathway; plus strand). Cytogenetic location: 5q22.2.
Variant type: single nucleotide variant.
Coding change: c.7032A>G on transcript NM_000038.6 (MANE Select); coding-DNA position 7032, A replaced by G.
Protein change: p.Gln2344=; no amino-acid change (glutamine 2344 retained).
Molecular consequence: synonymous variant.
Genome position (GRCh38, 1-based): chr5:112,842,626, A>G. VCF-style: chr5-112842626-A-G. GRCh37 (hg19) VCF-style: chr5-112178323-A-G.
Other names: c.7032A>G, p.Gln2344= (NM_001127510.3, NM_001354895.2); c.6978A>G, p.Gln2326= (NM_001127511.3); c.7086A>G, p.Gln2362= (NM_001354896.2); c.7062A>G, p.Gln2354= (NM_001354897.2); c.6957A>G, p.Gln2319= (NM_001354898.2); c.6948A>G, p.Gln2316= (NM_001354899.2); c.6909A>G, p.Gln2303= (NM_001354900.2); c.6855A>G, p.Gln2285= (NM_001354901.2); and 5 more.
Identifiers: ClinVar variation 184671 (VCV000184671.21), dbSNP rs753728632, ClinGen allele CA012751.

ClinVar aggregate classification (germline): Benign/Likely benign. Review status: criteria provided, multiple submitters, no conflicts (2 of 4 stars). 6 submissions from 6 submitters: Benign (1); Likely benign (5). Last evaluated 2025-12-08.

Conditions:
Classic or attenuated familial adenomatous polyposis. Identifiers: MedGen CN372698, MONDO:0021057.
Hereditary cancer-predisposing syndrome. Also called: Hereditary neoplastic syndrome; Neoplastic Syndromes, Hereditary; Tumor predisposition; Hereditary Cancer Syndrome. Identifiers: Orphanet 140162, MedGen C0027672, MeSH D009386, MONDO:0015356.
Familial adenomatous polyposis 1 (FAP1). Also called: FAMILIAL ADENOMATOUS POLYPOSIS 1, ATTENUATED; POLYPOSIS, ADENOMATOUS INTESTINAL. Identifiers: MedGen C2713442, MONDO:0021056, OMIM 175100. Disease mechanism: loss of function.

Allele frequency attached by ClinVar (database versions not stated): gnomAD exomes below 0.00001 and 0.00001; ExAC 0.00001; gnomAD 0.00001; TOPMed 0.00001.
gnomAD v4.1: 5 of 1,613,738 alleles (0.00031%); highest among the groups gnomAD compares: African/African-American, 0.0013%; no homozygotes.

Submissions (6):

Labcorp Genetics (formerly Invitae), Labcorp
Classification: Likely benign for Familial adenomatous polyposis 1. Last evaluated: 2025-12-08. Review status: criteria provided, single submitter. Criteria: Invitae Variant Classification Sherloc (09022015). Collection method: clinical testing. Allele origin: germline.

Myriad Genetics, Inc.
Classification: Benign for Familial adenomatous polyposis 1. Last evaluated: 2024-04-08. Review status: criteria provided, single submitter. Criteria: Myriad Autosomal Dominant, Autosomal Recessive and X-Linked Classification Criteria (2023). Collection method: clinical testing. Allele origin: unknown.
Comment: This variant is considered benign. This variant is a silent/synonymous amino acid change and it is not expected to impact splicing.

All of Us Research Program, National Institutes of Health
Classification: Likely benign for Classic or attenuated familial adenomatous polyposis. Last evaluated: 2023-12-18. Review status: criteria provided, single submitter. Criteria: ACMG Guidelines, 2015. Collection method: clinical testing. Allele origin: germline. Inheritance: Autosomal dominant inheritance. Observed: 6 variant alleles, 6 heterozygotes.
Comment: This study involves interpretation of variants in research participants for the purpose of population health screening. Participant phenotype was not available at the time of variant classification. Additional details can be found in publication PMID: 35346344, PMCID: PMC8962531

Sema4
Classification: Likely benign for Hereditary cancer-predisposing syndrome. Last evaluated: 2021-01-10. Review status: criteria provided, single submitter. Criteria: Sema4 Curation Guidelines. Collection method: curation. Allele origin: germline.

Color Diagnostics, LLC DBA Color Health
Classification: Likely benign for Hereditary cancer-predisposing syndrome. Last evaluated: 2016-12-22. Review status: criteria provided, single submitter. Criteria: ACMG Guidelines, 2015. Collection method: clinical testing. Allele origin: germline.

Ambry Genetics
Classification: Likely benign for Hereditary cancer-predisposing syndrome. Last evaluated: 2014-10-21. Review status: criteria provided, single submitter. Criteria: Ambry Variant Classification Scheme 2023. Collection method: clinical testing. Allele origin: germline.